The following is an entry in ClinVar:

ClinVar aggregate classification (germline): Uncertain significance (1 of 4 stars; one submission).

Submission:

Labcorp Genetics (formerly Invitae), Labcorp
Classification: Uncertain significance. Last evaluated: 2023-06-29. Review status: criteria provided, single submitter. Criteria: Invitae Variant Classification Sherloc (09022015). Collection method: clinical testing. Allele origin: germline.
Comment: In summary, the available evidence is currently insufficient to determine the role of this variant in disease. Therefore, it has been classified as a Variant of Uncertain Significance. Experimental studies and prediction algorithms are not available or were not evaluated, and the functional significance of this variant is currently unknown. This variant has not been reported in the literature in individuals affected with LONP1-related conditions. This variant results in a copy number gain of the genomic region encompassing exon(s) 1-9 of the LONP1 gene. This region includes the initiator codon of the gene. This copy number gain extends beyond the assayed region for this gene and therefore may encompass additional genes. As the precise location of this event is unknown, it may be in tandem or it may be located elsewhere in the genome.

NC_000019.9:g.(?_5700780)_(5720143_?)dup

Gene: LONP1 (lon peptidase 1, mitochondrial; minus strand). Cytogenetic location: 19p13.3.
Variant type: Duplication.
Identifiers: ClinVar variation 2425226 (VCV002425226.3).